The following is an entry in ClinVar:

NM_020207.7(ERCC6L2):c.987C>G (p.Phe329Leu)

Gene: ERCC6L2 (ERCC excision repair 6 like 2; plus strand). Cytogenetic location: 9q22.32.
Variant type: single nucleotide variant.
Coding change: c.987C>G on transcript NM_020207.7 (MANE Select); coding-DNA position 987, C replaced by G.
Protein change: p.Phe329Leu; replaces phenylalanine 329 with leucine.
Molecular consequence: missense variant. On other transcripts: non-coding transcript variant (1).
Genome position (GRCh38, 1-based): chr9:95,916,263, C>G. VCF-style: chr9-95916263-C-G. GRCh37 (hg19) VCF-style: chr9-98678545-C-G.
Other names: c.987C>G, p.Phe329Leu (NM_001010895.4, NM_001375291.1, NM_001375292.1 and 2 more transcripts); short protein forms F329L.
Identifiers: ClinVar variation 1722018 (VCV001722018.6), dbSNP rs2490122250, ClinGen allele CA374122682.

ClinVar aggregate classification (germline): Uncertain significance. Review status: criteria provided, multiple submitters, no conflicts (2 of 4 stars). 2 submissions from 2 submitters: Uncertain significance (2). Last evaluated 2024-11-25.

Conditions:
Inborn genetic diseases. Identifiers: MedGen C0950123, MeSH D030342.

Allele frequency attached by ClinVar (database versions not stated): gnomAD exomes 0.00001.
gnomAD v4.1: 5 of 1,614,048 alleles (0.00031%); highest among the groups gnomAD compares: Non-Finnish European, 0.00042%; no homozygotes.

Submissions (2):

Ambry Genetics
Classification: Uncertain significance for Inborn genetic diseases. Last evaluated: 2024-11-25. Review status: criteria provided, single submitter. Criteria: Ambry Variant Classification Scheme 2023. Collection method: clinical testing. Allele origin: germline.
Comment: The p.F329L variant (also known as c.987C>G), located in coding exon 6 of the ERCC6L2 gene, results from a C to G substitution at nucleotide position 987. The phenylalanine at codon 329 is replaced by leucine, an amino acid with highly similar properties. This amino acid position is conserved. In addition, this alteration is predicted to be deleterious by in silico analysis. Based on the available evidence, the clinical significance of this variant remains unclear.

Labcorp Genetics (formerly Invitae), Labcorp
Classification: Uncertain significance. Last evaluated: 2022-10-21. Review status: criteria provided, single submitter. Criteria: Invitae Variant Classification Sherloc (09022015). Collection method: clinical testing. Allele origin: germline.
Comment: This sequence change replaces phenylalanine, which is neutral and non-polar, with leucine, which is neutral and non-polar, at codon 340 of the ERCC6L2 protein (p.Phe340Leu). This variant is not present in population databases (gnomAD no frequency). This variant has not been reported in the literature in individuals affected with ERCC6L2-related conditions. Algorithms developed to predict the effect of missense changes on protein structure and function are either unavailable or do not agree on the potential impact of this missense change (SIFT: "Deleterious"; PolyPhen-2: "Not Available"; Align-GVGD: "Class C0"). In summary, the available evidence is currently insufficient to determine the role of this variant in disease. Therefore, it has been classified as a Variant of Uncertain Significance.